The following is an entry in ClinVar:

NM_001202.6(BMP4):c.1032A>G (p.Pro344=)

Gene: BMP4 (bone morphogenetic protein 4; minus strand). Cytogenetic location: 14q22.2.
Variant type: single nucleotide variant.
Coding change: c.1032A>G on transcript NM_001202.6 (MANE Select); coding-DNA position 1032, A replaced by G.
Protein change: p.Pro344=; no amino-acid change (proline 344 retained).
Molecular consequence: synonymous variant.
Genome position (GRCh38, 1-based): chr14:53,950,227, T>C on the plus strand (A>G on the coding strand, the complement: BMP4 is on the minus strand). VCF-style: chr14-53950227-T-C. GRCh37 (hg19) VCF-style: chr14-54416945-T-C.
Other names: c.1173A>G, p.Pro391= (NM_001347912.1); c.843A>G, p.Pro281= (NM_001347913.2, NM_001347915.2, NM_001347917.1); c.1032A>G, p.Pro344= (NM_001347914.2, NM_001347916.1, NM_130850.5 and 1 more transcripts); c.1032A>G (NM_001202.5).
Identifiers: ClinVar variation 1566916 (VCV001566916.10), dbSNP rs1191198347, ClinGen allele CA486658231.

ClinVar aggregate classification (germline): Likely benign. Review status: criteria provided, single submitter (1 of 4 stars). 2 submissions from 2 submitters: Likely benign (1). 1 of the submissions does not count toward it. Last evaluated 2022-08-23.

Conditions:
Orofacial cleft 11 (OFC11). Also called: Orofacial cleft 11; ofc11; CLEFT LIP WITH OR WITHOUT CLEFT PALATE, NONSYNDROMIC, 11. Identifiers: MedGen C2677434, MONDO:0010906, OMIM 600625.
Microphthalmia with brain and digit anomalies (MCOPS6). Also called: Microphthalmia, syndromic 6; MICROPHTHALMIA AND PITUITARY ANOMALIES. Identifiers: Orphanet 139471, MedGen C1864689, MONDO:0011936, OMIM 607932.
BMP4-related disorder. Also called: BMP4-related condition.

Allele frequency attached by ClinVar (database versions not stated): gnomAD exomes 0.00001 and 0.00002.
gnomAD v4.1: 8 of 1,614,172 alleles (0.0005%); highest among the groups gnomAD compares: Admixed American, 0.012%; no homozygotes.

Submissions (2):

Labcorp Genetics (formerly Invitae), Labcorp
Classification: Likely benign for Microphthalmia with brain and digit anomalies; Orofacial cleft 11. Last evaluated: 2022-08-23. Review status: criteria provided, single submitter. Criteria: Invitae Variant Classification Sherloc (09022015). Collection method: clinical testing. Allele origin: germline.

PreventionGenetics, part of Exact Sciences
Classification: Likely benign for BMP4-related condition. Last evaluated: 2021-06-28. Review status: no assertion criteria provided. Collection method: clinical testing. Allele origin: germline. Not counted in ClinVar's aggregate classification.
Comment: This variant is classified as likely benign based on ACMG/AMP sequence variant interpretation guidelines (Richards et al. 2015 PMID: 25741868, with internal and published modifications).